The following is an entry in ClinVar:

ClinVar aggregate classification (germline): Conflicting classifications of pathogenicity. Review status: criteria provided, conflicting classifications (1 of 4 stars). 5 submissions from 5 submitters: Pathogenic (1); Likely pathogenic (3); Uncertain significance (1). Last evaluated 2025-09-22.

Conditions:
Polycystic kidney disease 4 (PKD4). Also called: PKD3; POLYCYSTIC KIDNEY AND HEPATIC DISEASE 1; POLYCYSTIC KIDNEY DISEASE, INFANTILE, TYPE I; Autosomal Recessive Polycystic Kidney Disease – PKHD1; POLYCYSTIC KIDNEY DISEASE 4 WITH OR WITHOUT POLYCYSTIC LIVER DISEASE. Identifiers: MedGen C4540575, MONDO:0033004, OMIM 263200.
PKHD1-related disorder. Also called: PKHD1-related condition.
Autosomal recessive polycystic kidney disease (ARPKD). Also called: AR polycystic kidney disease. Identifiers: Orphanet 731, Orphanet 8378, MedGen C0085548, MeSH D017044, MONDO:0009889.

Allele frequency attached by ClinVar (database versions not stated): gnomAD exomes 0.00001 and 0.00003; TOPMed 0.00001.
gnomAD v4.1: 42 of 1,613,986 alleles (0.0026%); highest among the groups gnomAD compares: Non-Finnish European, 0.0034%; no homozygotes.

Submissions (5):

Natera, Inc.
Classification: Likely pathogenic for Autosomal recessive polycystic kidney disease. Last evaluated: 2025-09-22. Review status: criteria provided, single submitter. Criteria: Natera Variant Classification Schema (03/2026). Collection method: clinical testing. Allele origin: germline.
Comment: The c.6046A>T variant in PKHD1 is a missense variant predicted to cause substitution of serine to cysteine at amino acid 2016. This variant is rare in the general population with a frequency below the threshold expected for the associated phenotype(s). This variant has been observed in one or more individuals affected with the associated recessive disease, as either homozygous or compound heterozygous with a second variant (PMID: 15698423). Computational prediction algorithms indicate this variant is likely to affect gene or protein function. Given the available evidence, this variant is classified as Likely Pathogenic.

Women's Health and Genetics/Laboratory Corporation of America, LabCorp
Classification: Likely pathogenic for Autosomal recessive polycystic kidney disease. Last evaluated: 2025-06-20. Review status: criteria provided, single submitter. Criteria: LabCorp Variant Classification Summary - May 2015. Collection method: clinical testing. Allele origin: germline.
Comment: Variant summary: PKHD1 c.6046A>T (p.Ser2016Cys) results in a non-conservative amino acid change located in the G8 domain (IPR019316) of the encoded protein sequence. Algorithms developed to predict the effect of missense changes on protein structure and function all suggest that this variant is likely to be disruptive. The variant allele was found at a frequency of 1.2e-05 in 251372 control chromosomes. c.6046A>T has been observed in compound heterozygous individuals affected with Polycystic Kidney And Hepatic Disease (e.g., Bergmann_2005, Burgmaier_2021, Doreille_2022, Das_2023, internal data). These data indicate that the variant is likely to be associated with disease. To our knowledge, no experimental evidence demonstrating an impact on protein function has been reported. The following publications have been ascertained in the context of this evaluation (PMID: 15698423, 33940108, 36938085). ClinVar contains an entry for this variant (Variation ID: 848469). Based on the evidence outlined above, the variant was classified as likely pathogenic.

Fulgent Genetics
Classification: Likely pathogenic for Polycystic kidney disease 4. Last evaluated: 2024-01-12. Review status: criteria provided, single submitter. Criteria: ACMG Guidelines, 2015. Collection method: clinical testing. Allele origin: germline.

Labcorp Genetics (formerly Invitae), Labcorp
Classification: Pathogenic for Autosomal recessive polycystic kidney disease. Last evaluated: 2023-11-02. Review status: criteria provided, single submitter. Criteria: Invitae Variant Classification Sherloc (09022015). Collection method: clinical testing. Allele origin: germline.
Comment: This sequence change replaces serine, which is neutral and polar, with cysteine, which is neutral and slightly polar, at codon 2016 of the PKHD1 protein (p.Ser2016Cys). This variant is present in population databases (no rsID available, gnomAD 0.002%). This missense change has been observed in individual(s) with autosomal recessive polycystic kidney disease (PMID: 15698423; Invitae). In at least one individual the data is consistent with being in trans (on the opposite chromosome) from a pathogenic variant. ClinVar contains an entry for this variant (Variation ID: 848469). Advanced modeling of protein sequence and biophysical properties (such as structural, functional, and spatial information, amino acid conservation, physicochemical variation, residue mobility, and thermodynamic stability) performed at Invitae indicates that this missense variant is expected to disrupt PKHD1 protein function with a positive predictive value of 95%. For these reasons, this variant has been classified as Pathogenic.

PreventionGenetics, part of Exact Sciences
Classification: Uncertain significance for PKHD1-related condition. Last evaluated: 2023-03-27. Review status: criteria provided, single submitter. Criteria: ACMG Guidelines, 2015. Collection method: clinical testing. Allele origin: germline.
Comment: The PKHD1 c.6046A>T variant is predicted to result in the amino acid substitution p.Ser2016Cys. This variant was reported in an individual with polycystic kidney disease (Table 1, Bergmann et al 2005. PubMed ID: 15698423). This variant is reported in 0.0026% of alleles in individuals of European (Non-Finnish) descent in gnomAD. At this time, the clinical significance of this variant is uncertain due to the absence of conclusive functional and genetic evidence.

Literature cited by the submitters: PubMed 15698423 (cited by 3 submitters); PubMed 33940108 (cited by Women's Health and Genetics/Laboratory Corporation of America, LabCorp); PubMed 36938085 (cited by Women's Health and Genetics/Laboratory Corporation of America, LabCorp).

NM_138694.4(PKHD1):c.6046A>T (p.Ser2016Cys)

Gene: PKHD1 (PKHD1 ciliary IPT domain containing fibrocystin/polyductin; minus strand). Cytogenetic location: 6p12.2.
Variant type: single nucleotide variant.
Coding change: c.6046A>T on transcript NM_138694.4 (MANE Select); coding-DNA position 6046, A replaced by T.
Protein change: p.Ser2016Cys; replaces serine 2016 with cysteine.
Molecular consequence: missense variant.
Genome position (GRCh38, 1-based): chr6:51,934,185, T>A on the plus strand (A>T on the coding strand, the complement: PKHD1 is on the minus strand). VCF-style: chr6-51934185-T-A. GRCh37 (hg19) VCF-style: chr6-51798983-T-A.
Other names: c.6046A>T, p.Ser2016Cys (NM_170724.3); short protein forms S2016C.
Identifiers: ClinVar variation 848469 (VCV000848469.16), dbSNP rs1413693039, ClinGen allele CA364417720.
Genomic context (GRCh38, chr6:51,934,185, plus strand): 5'-TTCCATTCCTCACAGCCAGGAACTTGACTCCATAGGGAAAGAAGGGAGTTGAGTAGGAAC[T>A]CCCGTAGAGTGTGATCTGAGCTCTGCCTTGGAAGGGCTTGTCTTCGGATCCAATCCGGAG-3'
Protein context (NP_619639.3, residues 2006-2026): QGRAQITLYG[Ser2016Cys]SYSTPFFPYG